The following is an entry in ClinVar:

ClinVar aggregate classification (germline): Uncertain significance. Review status: criteria provided, multiple submitters, no conflicts (2 of 4 stars). 3 submissions from 3 submitters: Uncertain significance (3). Last evaluated 2025-06-03.

Conditions:
Inborn genetic diseases. Identifiers: MedGen C0950123, MeSH D030342.
3-methylglutaconic aciduria, type VIIB (MGCA7B). Also called: 3-methylglutaconic aciduria, type VII, with cataracts, neurologic involvement and neutropenia; CLPB Deficiency; 3-methylglutaconic aciduria with cataracts, neurologic involvement and neutropenia. Identifiers: Orphanet 445038, MedGen C5676893, MONDO:0014561, OMIM 616271.

Allele frequency attached by ClinVar (database versions not stated): ExAC 0.00001; gnomAD exomes 0.00002.
gnomAD v4.1: 17 of 1,613,270 alleles (0.0011%); highest among the groups gnomAD compares: Non-Finnish European, 0.0014%; no homozygotes.

Submissions (3):

Ambry Genetics
Classification: Uncertain significance for Inborn genetic diseases. Last evaluated: 2025-06-03. Review status: criteria provided, single submitter. Criteria: Ambry Variant Classification Scheme 2023. Collection method: clinical testing. Allele origin: germline.

Labcorp Genetics (formerly Invitae), Labcorp
Classification: Uncertain significance for 3-methylglutaconic aciduria, type VIIB. Last evaluated: 2025-04-30. Review status: criteria provided, single submitter. Criteria: Invitae Variant Classification Sherloc (09022015). Collection method: clinical testing. Allele origin: germline.
Comment: This sequence change replaces alanine, which is neutral and non-polar, with threonine, which is neutral and polar, at codon 262 of the CLPB protein (p.Ala262Thr). This variant is present in population databases (rs779228307, gnomAD 0.004%). This variant has not been reported in the literature in individuals affected with CLPB-related conditions. ClinVar contains an entry for this variant (Variation ID: 940030). An algorithm developed to predict the effect of missense changes on protein structure and function (PolyPhen-2) suggests that this variant is likely to be tolerated. In summary, the available evidence is currently insufficient to determine the role of this variant in disease. Therefore, it has been classified as a Variant of Uncertain Significance.

GeneDx
Classification: Uncertain significance. Last evaluated: 2022-11-07. Review status: criteria provided, single submitter. Criteria: GeneDx Variant Classification Process June 2021. Collection method: clinical testing. Allele origin: germline. Affected: yes.
Comment: Not observed at significant frequency in large population cohorts (gnomAD); In silico analysis supports that this missense variant has a deleterious effect on protein structure/function; Has not been previously published as pathogenic or benign to our knowledge

NM_001258392.3(CLPB):c.694G>A (p.Ala232Thr)

Gene: CLPB (ClpB family mitochondrial disaggregase; minus strand). Cytogenetic location: 11q13.4.
Variant type: single nucleotide variant.
Coding change: c.694G>A on transcript NM_001258392.3 (MANE Select); coding-DNA position 694, G replaced by A.
Protein change: p.Ala232Thr; replaces alanine 232 with threonine.
Molecular consequence: missense variant.
Genome position (GRCh38, 1-based): chr11:72,358,961, C>T on the plus strand (G>A on the coding strand, the complement: CLPB is on the minus strand). VCF-style: chr11-72358961-C-T. GRCh37 (hg19) VCF-style: chr11-72070005-C-T.
Other names: c.607G>A, p.Ala203Thr (NM_001258393.3); c.649G>A, p.Ala217Thr (NM_001258394.3); c.784G>A, p.Ala262Thr (NM_030813.6); c.784G>A (NM_030813.3); short protein forms A203T, A262T, A232T, A217T.
Identifiers: ClinVar variation 940030 (VCV000940030.12), dbSNP rs779228307, ClinGen allele CA6171426.